The following is an entry in ClinVar:

ClinVar aggregate classification (germline): Pathogenic/Likely pathogenic. Review status: criteria provided, multiple submitters, no conflicts (2 of 4 stars). 2 submissions from 2 submitters: Pathogenic (1); Likely pathogenic (1). Last evaluated 2026-04-24.

Conditions:
Hereditary cancer-predisposing syndrome. Also called: Hereditary Cancer Syndrome; Tumor predisposition; Hereditary neoplastic syndrome; Neoplastic Syndromes, Hereditary. Identifiers: Orphanet 140162, MedGen C0027672, MeSH D009386, MONDO:0015356.
Familial cancer of breast. Also called: Hereditary breast cancer; BREAST CANCER, FAMILIAL; hereditary breast carcinoma. Identifiers: Orphanet 227535, MedGen C0346153, MONDO:0016419, OMIM 114480. Disease mechanism: loss of function.

Allele frequency attached by ClinVar (database versions not stated): gnomAD exomes below 0.00001; ExAC 0.00001.
gnomAD v4.1: 1 of 1,611,668 alleles (0.000062%); no homozygotes.

Submissions (2):

Ambry Genetics
Classification: Likely pathogenic for Hereditary cancer-predisposing syndrome. Last evaluated: 2026-04-24. Review status: criteria provided, single submitter. Criteria: Ambry Variant Classification Scheme 2023. Collection method: clinical testing. Allele origin: germline.
Comment: The c.2001+1G>T intronic variant results from a G to T substitution one nucleotide after coding exon 10 of the BARD1 gene. This variant is considered to be rare based on population cohorts in the Genome Aggregation Database (gnomAD). This nucleotide position is highly conserved in available vertebrate species. In silico splice site analysis predicts that this alteration will weaken the native splice donor site; however, direct evidence is insufficient at this time (Ambry internal data). Variants that disrupt the canonical splice site are expected to cause aberrant splicing, resulting in an abnormal protein or a transcript that is subject to nonsense-mediated mRNA decay. As such, this alteration is classified as likely pathogenic.

Labcorp Genetics (formerly Invitae), Labcorp
Classification: Pathogenic for Familial cancer of breast. Last evaluated: 2024-01-27. Review status: criteria provided, single submitter. Criteria: Invitae Variant Classification Sherloc (09022015). Collection method: clinical testing. Allele origin: germline.
Comment: This sequence change affects a donor splice site in intron 10 of the BARD1 gene. While this variant is not anticipated to result in nonsense mediated decay, it likely alters RNA splicing and results in a disrupted protein product. This variant is present in population databases (rs768490891, gnomAD 0.0009%). This variant has not been reported in the literature in individuals affected with BARD1-related conditions. ClinVar contains an entry for this variant (Variation ID: 460733). Variants that disrupt the consensus splice site are a relatively common cause of aberrant splicing (PMID: 17576681, 9536098). Algorithms developed to predict the effect of sequence changes on RNA splicing suggest that this variant may disrupt the consensus splice site. This variant disrupts the C-terminal BRCT domain of BARD1 protein, which is required for chromosome stability and homology-directed repair (PMID: 17848578). A different variant (p.Val767fs) that lies downstream of this variant has been reported to affect BARD1 protein function (PMID: 30925164), this suggests that disruption of this region of the protein is causative of disease. This variant disrupts a region of the BARD1 protein in which other variant(s) (p.Val767Aspfs*4) have been determined to be pathogenic (PMID: 11943588). This suggests that this is a clinically significant region of the protein, and that variants that disrupt it are likely to be disease-causing. For these reasons, this variant has been classified as Pathogenic.

Literature cited by the submitters: PubMed 17576681 (cited by Labcorp Genetics (formerly Invitae), Labcorp); PubMed 9536098 (cited by Labcorp Genetics (formerly Invitae), Labcorp); PubMed 17848578 (cited by Labcorp Genetics (formerly Invitae), Labcorp); PubMed 30925164 (cited by Labcorp Genetics (formerly Invitae), Labcorp); PubMed 11943588 (cited by Labcorp Genetics (formerly Invitae), Labcorp).

NM_000465.4(BARD1):c.2001+1G>T

Gene: BARD1 (BRCA1 associated RING domain 1; minus strand). Cytogenetic location: 2q35.
Variant type: single nucleotide variant.
Coding change: c.2001+1G>T on transcript NM_000465.4 (MANE Select); the canonical splice donor site of the intron after coding-DNA position 2001, G replaced by T.
Molecular consequence: splice donor variant.
Genome position (GRCh38, 1-based): chr2:214,730,410, C>A on the plus strand (G>T on the coding strand, the complement: BARD1 is on the minus strand). VCF-style: chr2-214730410-C-A. GRCh37 (hg19) VCF-style: chr2-215595134-C-A.
Other names: c.591+1G>T (NM_001282548.2); c.1944+1G>T (NM_001282543.2); c.648+1G>T (NM_001282545.2); c.462+1G>T (NM_001282549.2); c.2001+1G>T (NM_000465.2).
Identifiers: ClinVar variation 460733 (VCV000460733.11), dbSNP rs768490891, ClinGen allele CA2090109.